The following is an entry in ClinVar:

G6PD:c.1455-13T>C

Gene: G6PD (glucose-6-phosphate dehydrogenase; minus strand). Cytogenetic location: Xq28.
Variant type: single nucleotide variant.
Molecular consequence: intron variant (on NM_001360016.2).
Genome position: GRCh38 VCF-style: chrX-154532293-G-G. GRCh37 (hg19) VCF-style: chrX-153760508-A-G.
Other names: c.1455-13= (NM_000402.4); c.1365-13= (NM_001042351.3, NM_001360016.2).
Identifiers: ClinVar variation 93494 (VCV000093494.40), dbSNP rs2071429.
Genomic context (GRCh38, chrX:154,532,293, plus strand): 5'-TGGTGCAGCAGTGGGGTGAAAATACGCCAGGCCTCACGGAGCTCGTCGCTGAGGGGACAT[G=]GTATGGCTTGGGAGGCCGGTGGCACACAGGGAGGGAGGGCAAAGGCCACCCCATAGCCCA-3'

ClinVar aggregate classification (germline): Benign/Likely benign. Review status: criteria provided, multiple submitters, no conflicts (2 of 4 stars). 11 submissions from 11 submitters: Benign (6); Likely benign (3). 2 of the submissions do not count toward it. Last evaluated 2026-02-04.

Conditions:
Anemia, nonspherocytic hemolytic, due to G6PD deficiency (CNSHA1). Also called: Class I glucose-6-phosphate dehydrogenase deficiency; Favism, susceptibility to; ANEMIA, CONGENITAL, NONSPHEROCYTIC HEMOLYTIC, 1; Hemolytic anemia due to G6PD deficiency. Identifiers: Orphanet 466026, MedGen C2720289, MONDO:0010480, OMIM 300908.
G6PD deficiency. Also called: G6PD A-. Identifiers: MedGen C2939465, MONDO:0005775.

Allele frequency attached by ClinVar (database versions not stated): gnomAD 0.36538 and 0.35900; TOPMed 0.38145; 1000 Genomes Project 30x 0.42955.

Submissions (11):

Labcorp Genetics (formerly Invitae), Labcorp
Classification: Benign for Anemia, nonspherocytic hemolytic, due to G6PD deficiency. Last evaluated: 2026-02-04. Review status: criteria provided, single submitter. Criteria: Invitae Variant Classification Sherloc (09022015). Collection method: clinical testing. Allele origin: germline.

ARUP Laboratories, Molecular Genetics and Genomics, ARUP Laboratories
Classification: Benign. Last evaluated: 2025-07-31. Review status: criteria provided, single submitter. Criteria: ARUP Molecular Germline Variant Investigation Process 2024. Collection method: clinical testing. Allele origin: germline.

Blueprint Genetics
Classification: Likely benign. Last evaluated: 2024-11-28. Review status: criteria provided, single submitter. Criteria: ACMG Guidelines, 2015. Collection method: clinical testing. Allele origin: germline.

GeneDx
Classification: Benign. Last evaluated: 2018-07-09. Review status: criteria provided, single submitter. Criteria: GeneDx Variant Classification Process June 2021. Collection method: clinical testing. Allele origin: germline. Affected: yes.
Comment: This variant is associated with the following publications: (PMID: 30045279, 30077011)

Illumina Laboratory Services, Illumina
Classification: Likely benign for Glucose 6 phosphate dehydrogenase deficiency. Last evaluated: 2018-01-13. Review status: criteria provided, single submitter. Criteria: ICSL Variant Classification Criteria 13 December 2019. Collection method: clinical testing. Allele origin: germline.
Comment: This variant was observed in the ICSL laboratory as part of a predisposition screen in an ostensibly healthy population. It had not been previously curated by ICSL or reported in the Human Gene Mutation Database (HGMD: prior to June 1st, 2018), and was therefore a candidate for classification through an automated scoring system. Utilizing variant allele frequency, disease prevalence and penetrance estimates, and inheritance mode, an automated score was calculated to assess if this variant is too frequent to cause the disease. Based on the score and internal cut-off values, a variant classified as likely benign is not then subjected to further curation. The score for this variant resulted in a classification of likely benign for this disease.

Laboratory for Molecular Medicine, Mass General Brigham Personalized Medicine
Classification: Benign. Last evaluated: 2016-03-28. Review status: criteria provided, single submitter. Criteria: LMM Criteria. Collection method: clinical testing. Allele origin: germline.
Comment: Variant identified in a genome or exome case(s) and assessed due to predicted null impact of the variant or pathogenic assertions in the literature or databases. Disclaimer: This variant has not undergone full assessment. The following are preliminary notes: Frequency

Eurofins Ntd Llc (ga)
Classification: Benign. Last evaluated: 2015-11-17. Review status: criteria provided, single submitter. Criteria: EGL Classification Definitions 2015. Collection method: clinical testing. Allele origin: germline. Observed: 362 variant alleles, 191 heterozygotes, 88 homozygotes, 83 hemizygotes.

Breakthrough Genomics
Classification: Likely benign. Review status: criteria provided, single submitter. Criteria: ACMG Guidelines, 2015. Collection method: not provided. Allele origin: germline. Inheritance: X-linked inheritance. Affected: yes.

PreventionGenetics, part of Exact Sciences
Classification: Benign. Review status: criteria provided, single submitter. Criteria: ACMG Guidelines, 2015. Collection method: clinical testing. Allele origin: germline.

Diagnostic Laboratory, Department of Genetics, University Medical Center Groningen
Classification: Benign. Review status: no assertion criteria provided. Collection method: clinical testing. Allele origin: germline. Affected: yes. Study: VKGL Data-share Consensus. Not counted in ClinVar's aggregate classification.

Genome Diagnostics Laboratory, University Medical Center Utrecht
Classification: Benign. Review status: no assertion criteria provided. Collection method: clinical testing. Allele origin: germline. Affected: yes. Study: VKGL Data-share Consensus. Not counted in ClinVar's aggregate classification.